The following is an entry in ClinVar:

ClinVar aggregate classification (germline): Uncertain significance (1 of 4 stars; one submission).

gnomAD v4.1: 2 of 1,614,030 alleles (0.00012%); highest among the groups gnomAD compares: South Asian, 0.0011%; no homozygotes.

Submission:

GeneDx
Classification: Uncertain significance. Last evaluated: 2026-01-29. Review status: criteria provided, single submitter. Criteria: GeneDx Variant Classification Process June 2021. Collection method: clinical testing. Allele origin: germline.
Comment: Not observed at significant frequency in large population cohorts (gnomAD); In silico analysis supports that this missense variant has a deleterious effect on protein structure/function; Has not been previously published as pathogenic or benign to our knowledge

NM_001797.4(CDH11):c.1139C>T (p.Pro380Leu)

Gene: CDH11 (cadherin 11; minus strand). Cytogenetic location: 16q21.
Variant type: single nucleotide variant.
Coding change: c.1139C>T on transcript NM_001797.4 (MANE Select); coding-DNA position 1139, C replaced by T.
Protein change: p.Pro380Leu; replaces proline 380 with leucine.
Molecular consequence: missense variant.
Genome position (GRCh38, 1-based): chr16:64,982,162, G>A on the plus strand (C>T on the coding strand, the complement: CDH11 is on the minus strand). VCF-style: chr16-64982162-G-A. GRCh37 (hg19) VCF-style: chr16-65016065-G-A.
Other names: c.1139C>T, p.Pro380Leu (NM_001308392.2); c.761C>T, p.Pro254Leu (NM_001330576.2); short protein forms P254L, P380L.
Identifiers: ClinVar variation 3360222 (VCV003360222.2).